The following is an entry in ClinVar:

ClinVar aggregate classification (germline): Pathogenic/Likely pathogenic. Review status: criteria provided, multiple submitters, no conflicts (2 of 4 stars). 6 submissions from 5 submitters: Pathogenic (2); Likely pathogenic (4). Last evaluated 2024-07-30.

Conditions:
Bartter disease type 3. Also called: Bartter syndrome type 3. Identifiers: Orphanet 112, Orphanet 93605, MedGen C1846343, MONDO:0011822, OMIM 607364.
CLCNKB-related disorders.
Hematuria. Identifiers: MedGen C0018965, HP:0000790.
Proteinuria. Identifiers: MedGen C0033687, MONDO:0003634, HP:0000093.

Allele frequency attached by ClinVar (database versions not stated): ExAC 0.00001; gnomAD 0.00001; gnomAD exomes 0.00001 and 0.00002; TOPMed 0.00001.

Submissions (6):

Revvity Omics, Revvity
Classification: Likely pathogenic. Last evaluated: 2024-07-30. Review status: criteria provided, single submitter. Criteria: ACMG Guidelines, 2015. Collection method: clinical testing. Allele origin: germline.

Blueprint Genetics
Classification: Likely pathogenic for CLCNKB-related disorders. Last evaluated: 2023-09-19. Review status: criteria provided, single submitter. Criteria: ACMG Guidelines, 2015. Collection method: clinical testing. Allele origin: germline. Affected: yes. Observed: 5 variant alleles.

Intergen Genetics and Rare Diseases Diagnosis Center
Classification: Pathogenic for Bartter disease type 3. Last evaluated: 2023-07-05. Review status: criteria provided, single submitter. Criteria: ACMG Guidelines, 2015. Collection method: clinical testing. Allele origin: unknown. Inheritance: Autosomal recessive inheritance. Affected: no. Observed: 1 heterozygote.
Comment: Rare null variant, reported as pathogenic on Clinvar and LOVD databases.

Labcorp Genetics (formerly Invitae), Labcorp
Classification: Pathogenic. Last evaluated: 2022-01-18. Review status: criteria provided, single submitter. Criteria: Invitae Variant Classification Sherloc (09022015). Collection method: clinical testing. Allele origin: germline.
Comment: ClinVar contains an entry for this variant (Variation ID: 523321). This sequence change creates a premature translational stop signal (p.Arg314Lysfs*2) in the CLCNKB gene. It is expected to result in an absent or disrupted protein product. Loss-of-function variants in CLCNKB are known to be pathogenic (PMID: 24830959, 26920127, 28381550, 29254190). This variant is present in population databases (rs779593707, gnomAD 0.002%). This variant has not been reported in the literature in individuals affected with CLCNKB-related conditions. For these reasons, this variant has been classified as Pathogenic.

Centre for Mendelian Genomics, University Medical Centre Ljubljana
Classification: Likely pathogenic for Bartter disease type 3. Last evaluated: 2019-06-12. Review status: criteria provided, single submitter. Criteria: ACMG Guidelines, 2015. Collection method: clinical testing. Allele origin: unknown. Affected: yes.
Comment: This variant was classified as: Likely pathogenic. The following ACMG criteria were applied in classifying this variant: PVS1,PM2.

Centre for Mendelian Genomics, University Medical Centre Ljubljana
Classification: Likely pathogenic for Hematuria; Proteinuria. Last evaluated: 2017-01-01. Review status: criteria provided, single submitter. Criteria: ACMG Guidelines, 2015. Collection method: clinical testing. Allele origin: unknown. Affected: yes.

Literature cited by the submitters: PubMed 24830959 (cited by Labcorp Genetics (formerly Invitae), Labcorp); PubMed 26920127 (cited by Labcorp Genetics (formerly Invitae), Labcorp); PubMed 28381550 (cited by Labcorp Genetics (formerly Invitae), Labcorp); PubMed 29254190 (cited by Labcorp Genetics (formerly Invitae), Labcorp).

NM_000085.5(CLCNKB):c.937_940dup (p.Arg314delinsLysTer)

Genes: CLCNKB (chloride voltage-gated channel Kb; plus strand), LOC106501713 (CLCNKB recombination region; plus strand). Cytogenetic location: 1p36.13.
Variant type: Duplication.
Coding change: c.937_940dup on transcript NM_000085.5 (MANE Select); coding-DNA positions 937 to 940, 4 bases duplicated (AATA; older notation c.937_940dupAATA).
Protein change: p.Arg314delinsLysTer.
Molecular consequence: nonsense.
Genome position (GRCh38, 1-based): chr1:16,049,885-16,049,888, AATA duplicated. VCF-style (leftmost placement, unchanged base first): chr1-16049884-C-CAATA. GRCh37 (hg19) VCF-style: chr1-16376379-C-CAATA.
Other names: c.430_433dup, p.Arg145delinsLysTer (NM_001165945.2); c.937_940dupAATA (NM_000085.4).
Identifiers: ClinVar variation 523321 (VCV000523321.12), dbSNP rs779593707, ClinGen allele CA623594.